The following is an entry in ClinVar:

ClinVar aggregate classification (germline): Pathogenic. Review status: criteria provided, multiple submitters, no conflicts (2 of 4 stars). 3 submissions from 3 submitters: Pathogenic (3). Last evaluated 2025-05-14.

Conditions:
NKX2-1-Related Disorders. Also called: NKX2-1-related disorder. Identifiers: MedGen CN381057.

Submissions (3):

GeneDx
Classification: Pathogenic. Last evaluated: 2025-05-14. Review status: criteria provided, single submitter. Criteria: GeneDx Variant Classification Process June 2021. Collection method: clinical testing. Allele origin: germline. Affected: yes.
Comment: Published in patients with NKX2-1-related disorders, however detailed clinical and segregation information not provided. Also referred to as Y174X using alternate nomenclature (PMID: 24714694, 24171694); Nonsense variant in the C-terminus predicted to result in protein truncation, as the last 198 amino acids are lost, and other loss-of-function variants have been reported downstream in the Human Gene Mutation Database (HGMD); Not observed at significant frequency in large population cohorts (gnomAD); This variant is associated with the following publications: (PMID: 24171694, 24714694)

Blueprint Genetics
Classification: Pathogenic for NKX2-1-related disorders. Last evaluated: 2023-04-11. Review status: criteria provided, single submitter. Criteria: ACMG Guidelines, 2015. Collection method: clinical testing. Allele origin: germline. Affected: yes. Observed: 4 variant alleles.

Daryl Scott Lab, Baylor College of Medicine
Classification: Pathogenic for NKX2-1-related disorder. Last evaluated: 2023-04-11. Review status: criteria provided, single submitter. Criteria: ACMG Guidelines, 2015. Collection method: clinical testing. Allele origin: unknown. Affected: yes.

Literature cited by the submitters: PubMed 37673932 (cited by Daryl Scott Lab, Baylor College of Medicine).

NM_001079668.3(NKX2-1):c.612C>G (p.Tyr204Ter)

Genes: NKX2-1 (NK2 homeobox 1; minus strand), SFTA3 (surfactant associated 3; minus strand). Cytogenetic location: 14q13.3.
Variant type: single nucleotide variant.
Coding change: c.612C>G on transcript NM_001079668.3 (MANE Select); coding-DNA position 612, C replaced by G.
Protein change: p.Tyr204Ter; replaces tyrosine 204 with a stop codon.
Molecular consequence: nonsense.
Genome position (GRCh38, 1-based): chr14:36,517,872, G>C on the plus strand (C>G on the coding strand, the complement: NKX2-1 is on the minus strand). VCF-style: chr14-36517872-G-C. GRCh37 (hg19) VCF-style: chr14-36987077-G-C.
Other names: c.522C>G, p.Tyr174Ter (NM_003317.4); c.612C>G (NM_001079668.2); short protein forms Y174*, Y204*.
Identifiers: ClinVar variation 2498216 (VCV002498216.3), dbSNP rs765736023, ClinGen allele CA389459433.